The following is an entry in ClinVar:

ClinVar aggregate classification (germline): Uncertain significance (1 of 4 stars; one submission).

gnomAD v4.1: 7 of 1,613,308 alleles (0.00043%); highest among the groups gnomAD compares: Middle Eastern, 0.033%; no homozygotes.

Submission:

Labcorp Genetics (formerly Invitae), Labcorp
Classification: Uncertain significance. Last evaluated: 2025-04-14. Review status: criteria provided, single submitter. Criteria: Invitae Variant Classification Sherloc (09022015). Collection method: clinical testing. Allele origin: germline.
Comment: This sequence change replaces proline, which is neutral and non-polar, with threonine, which is neutral and polar, at codon 1057 of the SLIT2 protein (p.Pro1057Thr). This variant is not present in population databases (gnomAD no frequency). This variant has not been reported in the literature in individuals affected with SLIT2-related conditions. An algorithm developed to predict the effect of missense changes on protein structure and function (PolyPhen-2) suggests that this variant is likely to be tolerated. In summary, the available evidence is currently insufficient to determine the role of this variant in disease. Therefore, it has been classified as a Variant of Uncertain Significance.

NM_004787.4(SLIT2):c.3169C>A (p.Pro1057Thr)

Gene: SLIT2 (slit guidance ligand 2; plus strand). Cytogenetic location: 4p15.31.
Variant type: single nucleotide variant.
Coding change: c.3169C>A on transcript NM_004787.4 (MANE Select); coding-DNA position 3169, C replaced by A.
Protein change: p.Pro1057Thr; replaces proline 1057 with threonine.
Molecular consequence: missense variant.
Genome position (GRCh38, 1-based): chr4:20,589,724, C>A. VCF-style: chr4-20589724-C-A. GRCh37 (hg19) VCF-style: chr4-20591347-C-A.
Other names: c.3157C>A, p.Pro1053Thr (NM_001289135.3); c.3145C>A, p.Pro1049Thr (NM_001289136.3); short protein forms P1053T, P1049T, P1057T.
Identifiers: ClinVar variation 4748857 (VCV004748857.1).
Genomic context (GRCh38, chr4:20,589,724, plus strand): 5'-CTGGACTTCTGTGCCCAGGACCTGAACCCCTGCCAGCACGATTCAAAGTGCATCCTAACT[C>A]CAAAGGGATTCAAGTAAGTCAAAAGCTACCTTTTTGCTCACAGTCAGGGTAGGGGACCCA-3'
Protein context (NP_004778.1, residues 1047-1067): CQHDSKCILT[Pro1057Thr]KGFKCDCTPG